The following is an entry in ClinVar:

NM_002880.4(RAF1):c.856G>A (p.Glu286Lys)

Gene: RAF1 (Raf-1 proto-oncogene, serine/threonine kinase; minus strand). Cytogenetic location: 3p25.2.
Variant type: single nucleotide variant.
Coding change: c.856G>A on transcript NM_002880.4 (MANE Select); coding-DNA position 856, G replaced by A.
Protein change: p.Glu286Lys; replaces glutamic acid 286 with lysine.
Molecular consequence: missense variant. On other transcripts: non-coding transcript variant (3).
Genome position (GRCh38, 1-based): chr3:12,600,394, C>T on the plus strand (G>A on the coding strand, the complement: RAF1 is on the minus strand). VCF-style: chr3-12600394-C-T. GRCh37 (hg19) VCF-style: chr3-12641893-C-T.
Other names: c.916G>A, p.Glu306Lys (NM_001354689.3); c.856G>A, p.Glu286Lys (NM_001354690.3); c.613G>A, p.Glu205Lys (NM_001354691.3, NM_001354692.3); c.757G>A, p.Glu253Lys (NM_001354693.3); c.673G>A, p.Glu225Lys (NM_001354694.3); c.514G>A, p.Glu172Lys (NM_001354695.3); short protein forms E286K, E172K, E253K, E205K, E225K, E306K.
Identifiers: ClinVar variation 372621 (VCV000372621.11), dbSNP rs147453956, ClinGen allele CA2259657.

ClinVar aggregate classification (germline): Conflicting classifications of pathogenicity. Review status: criteria provided, conflicting classifications (1 of 4 stars). 3 submissions from 3 submitters: Uncertain significance (2); Likely benign (1). Last evaluated 2024-03-04.

Conditions:
RASopathy. Also called: rasopathies; Noonan spectrum disorder. Identifiers: Orphanet 536391, MedGen C5555857, MONDO:0021060.

Allele frequency attached by ClinVar (database versions not stated): 1000 Genomes Project 30x 0.00031; 1000 Genomes Project 0.00040.
gnomAD v4.1: 10 of 1,614,112 alleles (0.00062%); highest among the groups gnomAD compares: Admixed American, 0.0033%; no homozygotes.

Submissions (3):

Labcorp Genetics (formerly Invitae), Labcorp
Classification: Likely benign for RASopathy. Last evaluated: 2024-03-04. Review status: criteria provided, single submitter. Criteria: Invitae Variant Classification Sherloc (09022015). Collection method: clinical testing. Allele origin: germline.

Women's Health and Genetics/Laboratory Corporation of America, LabCorp
Classification: Uncertain significance. Last evaluated: 2016-03-13. Review status: criteria provided, single submitter. Criteria: LabCorp Variant Classification Summary - May 2015. Collection method: clinical testing. Allele origin: germline.
Comment: Variant summary: c.856G>A in RAF1 gene affects a highly conserved nucleotide, resulting in amino acid change from Glu to Lys. 3/4 in-silico tools predict this variant to be benign. The variant is found in the large control population datasets of ExAC and 1000Gs at an overall frequency of 0.00176% exclusively in individuals of East Asian origin. This frequency does not exceed the maximum expected allele frequency for a pathogenic RAF1 variant (0.0025%). The variant of interest has not, to our knowledge, been reported in affected individuals via publications or disease-specific databases/diagnostic centers. Taken together, the variant was classified as a variant of uncertain significance (VUS) until additional information becomes available.

GeneDx
Classification: Uncertain significance. Last evaluated: 2015-05-01. Review status: criteria provided, single submitter. Criteria: GeneDx Variant Classification (06012015). Collection method: clinical testing. Allele origin: germline. Affected: yes.
Comment: The E286K variant has not been published as a pathogenic variant nor has it been reported as a benign polymorphism to our knowledge. The E286K variant is a non-conservative amino acid substitution, which is likely to impact secondary protein structure as these residues differ in polarity, charge, size and/or other properties. This substitution occurs at a position that is conserved across species. The E286K variant was not observed in approximately 6500 individuals of European and African American ancestry in the NHLBI Exome Sequencing Project, indicating it is not a common benign variant in these populations, however, the 1000 Genomes Project reports E286K was observed in 2/1008 (0.2%) alleles from individuals of East Asian ancestry, indicating it may be a rare (benign) variant in this population. In silico analysis is inconsistent in its predictions as to whether or not the variant is damaging to the protein structure/function. Finally, no missense variants in nearby residues have been reported in the Human Gene Mutation Database in association with cardiomyopathy (Stenson et al., 2014), suggesting this region of the protein may be tolerant of change. Therefore, based on the currently available information, it is unclear whether this variant is a pathogenic variant or a rare benign variant